The following is an entry in ClinVar:

ClinVar aggregate classification (germline): Uncertain significance (1 of 4 stars; one submission).

gnomAD v4.1: 1 of 1,196,284 alleles (0.000084%); highest among the groups gnomAD compares: Middle Eastern, 0.023%; no homozygotes.

Submission:

CeGaT Center for Human Genetics Tuebingen
Classification: Uncertain significance. Last evaluated: 2024-10-01. Review status: criteria provided, single submitter. Criteria: CeGaT Center For Human Genetics Tuebingen Variant Classification Criteria Version 2. Collection method: clinical testing. Allele origin: germline. Affected: yes. Observed: 1 variant allele.
Comment: PHKA1: PM2, BP4

NM_002637.4(PHKA1):c.2281G>T (p.Val761Leu)

Gene: PHKA1 (phosphorylase kinase regulatory subunit alpha 1; minus strand). Cytogenetic location: Xq13.1.
Variant type: single nucleotide variant.
Coding change: c.2281G>T on transcript NM_002637.4 (MANE Select); coding-DNA position 2281, G replaced by T.
Protein change: p.Val761Leu; replaces valine 761 with leucine.
Molecular consequence: missense variant.
Genome position (GRCh38, 1-based): chrX:72,618,798, C>A on the plus strand (G>T on the coding strand, the complement: PHKA1 is on the minus strand). VCF-style: chrX-72618798-C-A. GRCh37 (hg19) VCF-style: chrX-71838648-C-A.
Other names: c.2281G>T, p.Val761Leu (NM_001122670.2, NM_001431068.1); c.2104G>T, p.Val702Leu (NM_001172436.2); short protein forms V702L, V761L.
Identifiers: ClinVar variation 3388744 (VCV003388744.14).